The following is an entry in ClinVar:

NM_000350.3(ABCA4):c.2522A>C (p.Gln841Pro)

Gene: ABCA4 (ATP binding cassette subfamily A member 4; minus strand). Cytogenetic location: 1p22.1.
Variant type: single nucleotide variant.
Coding change: c.2522A>C on transcript NM_000350.3 (MANE Select); coding-DNA position 2522, A replaced by C.
Protein change: p.Gln841Pro; replaces glutamine 841 with proline.
Molecular consequence: missense variant.
Genome position (GRCh38, 1-based): chr1:94,055,176, T>G on the plus strand (A>C on the coding strand, the complement: ABCA4 is on the minus strand). VCF-style: chr1-94055176-T-G. GRCh37 (hg19) VCF-style: chr1-94520732-T-G.
Other names: c.2300A>C, p.Gln767Pro (NM_001425324.1); short protein forms Q841P, Q767P.
Identifiers: ClinVar variation 1350758 (VCV001350758.10), dbSNP rs2101067700, ClinGen allele CA341276903.

ClinVar aggregate classification (germline): Conflicting classifications of pathogenicity. Review status: criteria provided, conflicting classifications (1 of 4 stars). 3 submissions from 3 submitters: Pathogenic (1); Likely pathogenic (1); Uncertain significance (1). Last evaluated 2025-08-04.

Conditions:
Stargardt disease (FFM). Also called: Stargardt's disease; Fundus flavimaculatus. Identifiers: Orphanet 827, MedGen C0271093, MONDO:0019353.

Allele frequency attached by ClinVar (database versions not stated): gnomAD exomes below 0.00001.
gnomAD v4.1: 5 of 1,614,160 alleles (0.00031%); highest among the groups gnomAD compares: South Asian, 0.0055%; no homozygotes.

Submissions (3):

Labcorp Genetics (formerly Invitae), Labcorp
Classification: Pathogenic. Last evaluated: 2025-08-04. Review status: criteria provided, single submitter. Criteria: Invitae Variant Classification Sherloc (09022015). Collection method: clinical testing. Allele origin: germline.
Comment: This sequence change replaces glutamine, which is neutral and polar, with proline, which is neutral and non-polar, at codon 841 of the ABCA4 protein (p.Gln841Pro). This variant is not present in population databases (gnomAD no frequency). This missense change has been observed in individual(s) with Stargardt disease (PMID: 28355279, 29925512; internal data). In at least one individual the data is consistent with being in trans (on the opposite chromosome) from a pathogenic variant. ClinVar contains an entry for this variant (Variation ID: 1350758). Invitae Evidence Modeling of protein sequence and biophysical properties (such as structural, functional, and spatial information, amino acid conservation, physicochemical variation, residue mobility, and thermodynamic stability) has been performed for this missense variant. However, the output from this modeling did not meet the statistical confidence thresholds required to predict the impact of this variant on ABCA4 protein function. For these reasons, this variant has been classified as Pathogenic.

Women's Health and Genetics/Laboratory Corporation of America, LabCorp
Classification: Likely pathogenic for Stargardt disease. Last evaluated: 2024-10-21. Review status: criteria provided, single submitter. Criteria: LabCorp Variant Classification Summary - May 2015. Collection method: clinical testing. Allele origin: germline.
Comment: Variant summary: ABCA4 c.2522A>C (p.Gln841Pro) results in a non-conservative amino acid change located in the ABC-2 type transporter, transmembrane domain (IPR013525) of the encoded protein sequence. Four of five in-silico tools predict a benign effect of the variant on protein function. The variant was absent in 251338 control chromosomes. c.2522A>C has been reported in the literature in the homozygous and compound heterozygous state in individuals affected with Stargardt Disease and inherited retinal disease (Gerogiou_2020, Lambertus_2017, Glinton_2022, Cornelis_2022, Lin_2024, Labcorp (formerly Invitae)). These data indicate that the variant is likely to be associated with disease. The following publications have been ascertained in the context of this evaluation (PMID: 35120629, 31812472, 36178783, 28355279, 38219857). ClinVar contains an entry for this variant (Variation ID: 1350758). Based on the evidence outlined above, the variant was classified as likely pathogenic.

Blueprint Genetics
Classification: Uncertain significance. Last evaluated: 2024-10-18. Review status: criteria provided, single submitter. Criteria: ACMG Guidelines, 2015. Collection method: clinical testing. Allele origin: germline.

Literature cited by the submitters: PubMed 28355279 (cited by Labcorp Genetics (formerly Invitae), Labcorp and Women's Health and Genetics/Laboratory Corporation of America, LabCorp); PubMed 29925512 (cited by Labcorp Genetics (formerly Invitae), Labcorp); PubMed 36178783 (cited by Women's Health and Genetics/Laboratory Corporation of America, LabCorp); PubMed 35120629 (cited by Women's Health and Genetics/Laboratory Corporation of America, LabCorp); PubMed 38219857 (cited by Women's Health and Genetics/Laboratory Corporation of America, LabCorp); PubMed 31812472 (cited by Women's Health and Genetics/Laboratory Corporation of America, LabCorp).